The following is an entry in ClinVar:

ClinVar aggregate classification (germline): Uncertain significance (1 of 4 stars; one submission).

Conditions:
Hypogonadotropic hypogonadism 3 with or without anosmia (HH3). Also called: HYPOGONADOTROPIC HYPOGONADISM 3 WITH ANOSMIA; PROKR2-Related GnRH Deficiency (Kallmann Syndrome 3). Identifiers: Orphanet 478, MedGen C3550478, MONDO:0009482, OMIM 244200.

gnomAD v4.1: 1 of 1,614,184 alleles (0.000062%); highest among the groups gnomAD compares: South Asian, 0.0011%; no homozygotes.

Submission:

Diagnostics Services (NGS), CSIR - Centre For Cellular And Molecular Biology
Classification: Uncertain significance for Hypogonadotropic hypogonadism 3 with or without anosmia. Last evaluated: 2024-11-06. Review status: criteria provided, single submitter. Criteria: ACMG Guidelines, 2015. Collection method: clinical testing. Allele origin: unknown. Affected: yes. Observed: 1 variant allele, 1 heterozygote.
Comment: The c.213C>G variant is not present in publicly available population databases like 1000 Genomes, EVS, ExAC, Indian Exome Database or our in-house exome database. This variant has neither been published in literature in individuals with PROKR2-related conditions nor reported to the clinical databases like Human Genome Mutation Database (HGMD), ClinVar or OMIM, in any affected individuals. In-silico pathogenicity prediction programs like SIFT, PolyPhen-2, MutationTaster2, CADD etc predicted the variant to be likely deleterious, however these predictions were not confirmed by published functional studies.

NM_144773.4(PROKR2):c.213C>G (p.Asn71Lys)

Gene: PROKR2 (prokineticin receptor 2; minus strand). Cytogenetic location: 20p12.3.
Variant type: single nucleotide variant.
Coding change: c.213C>G on transcript NM_144773.4 (MANE Select); coding-DNA position 213, C replaced by G.
Protein change: p.Asn71Lys; replaces asparagine 71 with lysine.
Molecular consequence: missense variant.
Genome position (GRCh38, 1-based): chr20:5,314,157, G>C on the plus strand (C>G on the coding strand, the complement: PROKR2 is on the minus strand). VCF-style: chr20-5314157-G-C. GRCh37 (hg19) VCF-style: chr20-5294803-G-C.
Other names: short protein forms N71K.
Identifiers: ClinVar variation 3383359 (VCV003383359.1).
Genomic context (GRCh38, chr20:5,314,157, plus strand): 5'-GAGCAGATTGGTGAGGTTGCGCAACTTCTTATAGCGGGTGAGGGCAGCGATAAAGACAAA[G>C]TTACCGATGCCGCAGACCAGCATGATGCCTGCCAGTGCAATGCCAATGACGATCTTGGCT-3'
Protein context (NP_658986.1, residues 61-81): AGIMLVCGIG[Asn71Lys]FVFIAALTRY